The following is an entry in ClinVar:

ClinVar aggregate classification (germline): Uncertain significance (1 of 4 stars; one submission).

Submission:

GeneDx
Classification: Uncertain significance. Last evaluated: 2023-12-10. Review status: criteria provided, single submitter. Criteria: GeneDx Variant Classification Process June 2021. Collection method: clinical testing. Allele origin: germline. Affected: yes.
Comment: Not observed at significant frequency in large population cohorts (gnomAD); In silico analysis supports that this missense variant has a deleterious effect on protein structure/function; Has not been previously published as pathogenic or benign to our knowledge; Also known as 3958A>T

NM_000059.4(BRCA2):c.3730A>T (p.Ile1244Phe)

Gene: BRCA2 (BRCA2 DNA repair associated; plus strand). Cytogenetic location: 13q13.1.
Variant type: single nucleotide variant.
Coding change: c.3730A>T on transcript NM_000059.4 (MANE Select); coding-DNA position 3730, A replaced by T.
Protein change: p.Ile1244Phe; replaces isoleucine 1244 with phenylalanine.
Molecular consequence: missense variant. On other transcripts: non-coding transcript variant (1), intron variant (2).
Genome position (GRCh38, 1-based): chr13:32,338,085, A>T. VCF-style: chr13-32338085-A-T. GRCh37 (hg19) VCF-style: chr13-32912222-A-T.
Other names: c.3730A>T, p.Ile1244Phe (NM_001406719.1, NM_001406720.1); c.1909+4698A>T (NM_001406721.1); c.425-6473A>T (NM_001406722.1); short protein forms I1244F.
Identifiers: ClinVar variation 3253236 (VCV003253236.1), dbSNP rs786202091.